The following is an entry in ClinVar:

NM_000390.4(CHM):c.1660_1661del (p.Met554fs)

Gene: CHM (CHM Rab escort protein; minus strand). Cytogenetic location: Xq21.2.
Variant type: Microsatellite.
Coding change: c.1660_1661del on transcript NM_000390.4 (MANE Select); coding-DNA positions 1660 to 1661, 2 bases deleted (AT; older notation c.1660_1661delAT).
Protein change: p.Met554fs; shifts the reading frame from methionine 554.
Molecular consequence: frameshift variant.
Genome position (GRCh38, 1-based): chrX:85,873,161-85,873,162, AT deleted on the plus strand (AT on the coding strand, the reverse complement: CHM is on the minus strand); deleting any 2 consecutive bases within chrX:85,873,161-85,873,164 gives the same sequence; the c. name uses the placement nearest the transcript's 3' end. VCF-style (leftmost placement, unchanged base first): chrX-85873160-CAT-C. GRCh37 (hg19) VCF-style: chrX-85128165-CAT-C.
Other names: c.1216_1217del, p.Met406fs (NM_001320959.1, NM_001362517.1, NM_001362518.2 and 1 more transcripts); short protein forms M406fs, M554fs.
Identifiers: ClinVar variation 1076303 (VCV001076303.7), dbSNP rs2148120607, ClinGen allele CA2580612434.

ClinVar aggregate classification (germline): Pathogenic (1 of 4 stars; one submission).

Submission:

Labcorp Genetics (formerly Invitae), Labcorp
Classification: Pathogenic. Last evaluated: 2020-05-28. Review status: criteria provided, single submitter. Criteria: Invitae Variant Classification Sherloc (09022015). Collection method: clinical testing. Allele origin: germline.
Comment: This sequence change creates a premature translational stop signal (p.Met554Glufs*12) in the CHM gene. It is expected to result in an absent or disrupted protein product. This variant is not present in population databases (ExAC no frequency). This variant has not been reported in the literature in individuals with CHM-related conditions. Loss-of-function variants in CHM are known to be pathogenic (PMID: 9067750, 23811034). For these reasons, this variant has been classified as Pathogenic.

Literature cited by the submitters: PubMed 9067750; PubMed 23811034.